The following is an entry in ClinVar:

ClinVar aggregate classification (germline): Likely pathogenic. Review status: criteria provided, multiple submitters, no conflicts (2 of 4 stars). 2 submissions from 2 submitters: Likely pathogenic (2). Last evaluated 2023-05-04.

Conditions:
JAG1-related disorder. Also called: JAG1-related disorders; JAG1-related condition.
Alagille syndrome due to a JAG1 point mutation. Also called: HEPATIC DUCTULAR HYPOPLASIA, SYNDROMATIC; Alagille Syndrome 1; JAG1-Related Alagille Syndrome. Identifiers: Orphanet 261619, Orphanet 52, MedGen C1956125, MONDO:0016862, OMIM 118450.

Submissions (3):

Blueprint Genetics
Classification: Likely pathogenic for JAG1-related disorders. Last evaluated: 2023-05-04. Review status: criteria provided, single submitter. Criteria: ACMG Guidelines, 2015. Collection method: clinical testing. Allele origin: germline. Affected: yes. Observed: 1 variant allele.

Greenwood Genetic Center Diagnostic Laboratories, Greenwood Genetic Center
Classification: Likely pathogenic for Alagille syndrome due to a JAG1 point mutation. Last evaluated: 2022-08-10. Review status: criteria provided, single submitter. Criteria: ACMG Guidelines, 2015. Collection method: clinical testing. Allele origin: germline. Affected: yes.
Comment: PM1, PM2, PS4_supporting, PP2, PP3

Gilbert/Spinner Lab, Children's Hospital of Philadelphia
No classification provided (evidence only). Condition: Alagille syndrome. Review status: no classification provided. Collection method: research. Allele origin: not applicable. Functional consequence: functionally_abnormal. Not counted in ClinVar's aggregate classification.
ClinVar note: "not provided" was previously submitted as the classification for the variant. However, the classification appeared to be based only on an observation of functional data so it was converted to no classification on 2025-07-30.

NM_000214.3(JAG1):c.235C>T (p.Leu79Phe)

Gene: JAG1 (jagged canonical Notch ligand 1; minus strand). Cytogenetic location: 20p12.2.
Variant type: single nucleotide variant.
Coding change: c.235C>T on transcript NM_000214.3 (MANE Select); coding-DNA position 235, C replaced by T.
Protein change: p.Leu79Phe; replaces leucine 79 with phenylalanine.
Molecular consequence: missense variant.
Genome position (GRCh38, 1-based): chr20:10,672,853, G>A on the plus strand (C>T on the coding strand, the complement: JAG1 is on the minus strand). VCF-style: chr20-10672853-G-A. GRCh37 (hg19) VCF-style: chr20-10653501-G-A.
Other names: short protein forms L79F.
Identifiers: ClinVar variation 1710482 (VCV001710482.6), dbSNP rs2514537903, ClinGen allele CA408243140.